The following is an entry in ClinVar:

ClinVar aggregate classification (germline): Uncertain significance (1 of 4 stars; one submission).

Submission:

Labcorp Genetics (formerly Invitae), Labcorp
Classification: Uncertain significance. Last evaluated: 2021-08-09. Review status: criteria provided, single submitter. Criteria: Invitae Variant Classification Sherloc (09022015). Collection method: clinical testing. Allele origin: germline.
Comment: This variant has not been reported in the literature in individuals affected with FH-related conditions. This variant is not present in population databases (ExAC no frequency). This sequence change replaces lysine with glutamine at codon 510 of the FH protein (p.Lys510Gln). The lysine residue is moderately conserved and there is a small physicochemical difference between lysine and glutamine. Algorithms developed to predict the effect of missense changes on protein structure and function (SIFT, PolyPhen-2, Align-GVGD) all suggest that this variant is likely to be tolerated. In summary, the available evidence is currently insufficient to determine the role of this variant in disease. Therefore, it has been classified as a Variant of Uncertain Significance.

NM_000143.4(FH):c.1528A>C (p.Lys510Gln)

Gene: FH (fumarate hydratase; minus strand). Cytogenetic location: 1q43.
Variant type: single nucleotide variant.
Coding change: c.1528A>C on transcript NM_000143.4 (MANE Select); coding-DNA position 1528, A replaced by C.
Protein change: p.Lys510Gln; replaces lysine 510 with glutamine.
Molecular consequence: missense variant.
Genome position (GRCh38, 1-based): chr1:241,497,833, T>G on the plus strand (A>C on the coding strand, the complement: FH is on the minus strand). VCF-style: chr1-241497833-T-G. GRCh37 (hg19) VCF-style: chr1-241661133-T-G.
Other names: short protein forms K510Q.
Identifiers: ClinVar variation 1373798 (VCV001373798.6), dbSNP rs2147911176, ClinGen allele CA345449923.